The following is an entry in ClinVar:

NM_001165963.4(SCN1A):c.448C>T (p.Pro150Ser)

Gene: SCN1A (sodium voltage-gated channel alpha subunit 1; minus strand). Cytogenetic location: 2q24.3.
Variant type: single nucleotide variant.
Coding change: c.448C>T on transcript NM_001165963.4 (MANE Select); coding-DNA position 448, C replaced by T.
Protein change: p.Pro150Ser; replaces proline 150 with serine.
Molecular consequence: missense variant. On other transcripts: 5 prime UTR variant (1), non-coding transcript variant (1).
Genome position (GRCh38, 1-based): chr2:166,056,436, G>A on the plus strand (C>T on the coding strand, the complement: SCN1A is on the minus strand). VCF-style: chr2-166056436-G-A. GRCh37 (hg19) VCF-style: chr2-166912946-G-A.
Other names: c.448C>T, p.Pro150Ser (NM_001165964.3, NM_001202435.3, NM_001353948.2 and 10 more transcripts); c.-1978C>T (NM_001353961.2); short protein forms P150S.
Identifiers: ClinVar variation 3899055 (VCV003899055.1).

ClinVar aggregate classification (germline): Uncertain significance (1 of 4 stars; one submission).

Submission:

GeneDx
Classification: Uncertain significance. Last evaluated: 2024-11-08. Review status: criteria provided, single submitter. Criteria: GeneDx Variant Classification Process June 2021. Collection method: clinical testing. Allele origin: germline. Affected: yes.
Comment: Not observed at significant frequency in large population cohorts (gnomAD); In silico analysis supports that this missense variant has a deleterious effect on protein structure/function; Has not been previously published as pathogenic or benign to our knowledge; This substitution is predicted to be within the extracellular loop between the S1 and S2 transmembrane segments of the first homologous domain